The following is an entry in ClinVar:

NM_022455.5(NSD1):c.5520A>G (p.Glu1840=)

Gene: NSD1 (nuclear receptor binding SET domain protein 1; plus strand). Cytogenetic location: 5q35.3.
Variant type: single nucleotide variant.
Coding change: c.5520A>G on transcript NM_022455.5 (MANE Select); coding-DNA position 5520, A replaced by G.
Protein change: p.Glu1840=; no amino-acid change (glutamic acid 1840 retained).
Molecular consequence: synonymous variant.
Genome position (GRCh38, 1-based): chr5:177,273,682, A>G. VCF-style: chr5-177273682-A-G. GRCh37 (hg19) VCF-style: chr5-176700683-A-G.
Other names: c.4647A>G, p.Glu1549= (NM_001365684.2, NM_001409308.1, NM_001409309.1 and 1 more transcripts); c.5520A>G, p.Glu1840= (NM_001409301.1, NM_001409302.1, NM_001409303.1); c.5100A>G, p.Glu1700= (NM_001409304.1); c.4767A>G, p.Glu1589= (NM_001409305.1); c.4758A>G, p.Glu1586= (NM_001409306.1, NM_001409307.1).
Identifiers: ClinVar variation 96063 (VCV000096063.58), dbSNP rs140815139, ClinGen allele CA223689.

ClinVar aggregate classification (germline): Conflicting classifications of pathogenicity. Review status: criteria provided, conflicting classifications (1 of 4 stars). 10 submissions from 10 submitters: Uncertain significance (2); Benign (3); Likely benign (4). 1 of the submissions does not count toward it. Last evaluated 2026-04-27.

Conditions:
Sotos syndrome (SOTOS). Also called: CEREBRAL GIGANTISM; Distinctive facial appearance, overgrowth in childhood, and learning disabilities or delayed development; CHROMOSOME 5q35 DELETION SYNDROME; Sotos' syndrome; SOTOS SYNDROME 1. Identifiers: Orphanet 821, MedGen C0175695, MONDO:0019349, OMIM 117550.
NSD1-related disorder. Also called: NSD1-related condition.
Inborn genetic diseases. Identifiers: MedGen C0950123, MeSH D030342.

Allele frequency attached by ClinVar (database versions not stated): 1000 Genomes Project 30x 0.00047; 1000 Genomes Project 0.00060; gnomAD 0.00064 and 0.00073; ESP Exome Variant Server 0.00069; TOPMed 0.00076.
gnomAD v4.1: 193 of 1,612,698 alleles (0.012%); highest among the groups gnomAD compares: African/African-American, 0.23%; no homozygotes.

Submissions (10):

Women's Health and Genetics/Laboratory Corporation of America, LabCorp
Classification: Benign. Last evaluated: 2026-04-27. Review status: criteria provided, single submitter. Criteria: LabCorp Variant Classification Summary - May 2015. Collection method: clinical testing. Allele origin: germline.
Comment: Variant summary: NSD1 c.5520A>G alters a conserved nucleotide resulting in a synonymous change. Consensus agreement among computation tools predict no significant impact on normal splicing. However, these predictions have yet to be confirmed by functional studies. The variant allele was found at a frequency of 0.00014 in 251448 control chromosomes, predominantly at a frequency of 0.0019 within the African or African-American subpopulation in the gnomAD database. The observed variant frequency within African or African-American control individuals in the gnomAD database exceeds the estimated maximal expected allele frequency for disease-causing variants in NSD1. To our knowledge, no occurrence of c.5520A>G in individuals affected with NSD1-related conditions and no experimental evidence demonstrating its impact on protein function have been reported. ClinVar contains an entry for this variant (Variation ID: 96063). Based on the evidence outlined above, the variant was classified as benign.

Labcorp Genetics (formerly Invitae), Labcorp
Classification: Benign. Last evaluated: 2025-06-12. Review status: criteria provided, single submitter. Criteria: Invitae Variant Classification Sherloc (09022015). Collection method: clinical testing. Allele origin: germline.

CeGaT Center for Human Genetics Tuebingen
Classification: Likely benign. Last evaluated: 2025-03-01. Review status: criteria provided, single submitter. Criteria: CeGaT Center For Human Genetics Tuebingen Variant Classification Criteria Version 2. Collection method: clinical testing. Allele origin: germline. Affected: yes. Observed: 2 variant alleles.
Comment: NSD1: BP4, BS1

Blueprint Genetics
Classification: Likely benign. Last evaluated: 2024-08-14. Review status: criteria provided, single submitter. Criteria: ACMG Guidelines, 2015. Collection method: clinical testing. Allele origin: germline.

Genome-Nilou Lab
Classification: Likely benign for Sotos syndrome. Last evaluated: 2021-07-15. Review status: criteria provided, single submitter. Criteria: ACMG Guidelines, 2015. Collection method: clinical testing. Allele origin: germline. Affected: no.

GeneDx
Classification: Benign. Last evaluated: 2021-04-22. Review status: criteria provided, single submitter. Criteria: GeneDx Variant Classification Process June 2021. Collection method: clinical testing. Allele origin: germline. Affected: yes.

Ambry Genetics
Classification: Likely benign for Inborn genetic diseases. Last evaluated: 2016-10-07. Review status: criteria provided, single submitter. Criteria: Ambry Variant Classification Scheme 2023. Collection method: clinical testing. Allele origin: germline.

Genetic Services Laboratory, University of Chicago
Classification: Uncertain significance for Sotos syndrome 1. Last evaluated: 2013-02-08. Review status: criteria provided, single submitter. Criteria: ACMG Guidelines, 2007. Collection method: clinical testing. Allele origin: germline. Inheritance: Autosomal dominant inheritance.

Eurofins Ntd Llc (ga)
Classification: Uncertain significance. Last evaluated: 2012-12-14. Review status: criteria provided, single submitter. Criteria: EGL Classification Definitions 2015. Collection method: clinical testing. Allele origin: germline. Observed: 1 variant allele, 1 heterozygote.

PreventionGenetics, part of Exact Sciences
Classification: Likely benign for NSD1-related condition. Last evaluated: 2023-09-14. Review status: no assertion criteria provided. Collection method: clinical testing. Allele origin: germline. Not counted in ClinVar's aggregate classification.
Comment: This variant is classified as likely benign based on ACMG/AMP sequence variant interpretation guidelines (Richards et al. 2015 PMID: 25741868, with internal and published modifications).